The following is an entry in ClinVar:

ClinVar aggregate classification (germline): Uncertain significance (1 of 4 stars; one submission).

Conditions:
Inborn genetic diseases. Identifiers: MedGen C0950123, MeSH D030342.

gnomAD v4.1: 5 of 1,609,370 alleles (0.00031%); highest among the groups gnomAD compares: African/African-American, 0.0013%; no homozygotes.

Submission:

Ambry Genetics
Classification: Uncertain significance for Inborn genetic diseases. Last evaluated: 2026-07-28. Review status: criteria provided, single submitter. Criteria: Ambry Variant Classification Scheme 2023. Collection method: clinical testing. Allele origin: germline.
Comment: The c.4378G>A (p.V1460M) alteration is located in exon 29 (coding exon 29) of the TRIO gene. This alteration results from a G to A substitution at nucleotide position 4378, causing the valine (V) at amino acid position 1460 to be replaced by a methionine (M). Based on data from gnomAD, the A allele has an overall frequency of 0.003% (1/31388) total alleles studied. The highest observed frequency was 0.012% (1/8704) of African alleles. Based on insufficient or conflicting evidence, the clinical significance of this alteration remains unclear.

NM_007118.4(TRIO):c.4378G>A (p.Val1460Met)

Gene: TRIO (trio Rho guanine nucleotide exchange factor; plus strand). Cytogenetic location: 5p15.2.
Variant type: single nucleotide variant.
Coding change: c.4378G>A on transcript NM_007118.4 (MANE Select); coding-DNA position 4378, G replaced by A.
Protein change: p.Val1460Met; replaces valine 1460 with methionine.
Molecular consequence: missense variant. On other transcripts: non-coding transcript variant (1).
Genome position (GRCh38, 1-based): chr5:14,397,109, G>A. VCF-style: chr5-14397109-G-A. GRCh37 (hg19) VCF-style: chr5-14397218-G-A.
Other names: short protein forms V1460M.
Identifiers: ClinVar variation 5031122 (VCV005031122.1).